The following is an entry in ClinVar:

NM_000179.3(MSH6):c.3489A>C (p.Glu1163Asp)

Gene: MSH6 (mutS homolog 6; plus strand). Cytogenetic location: 2p16.3.
Variant type: single nucleotide variant.
Coding change: c.3489A>C on transcript NM_000179.3 (MANE Select); coding-DNA position 3489, A replaced by C.
Protein change: p.Glu1163Asp; replaces glutamic acid 1163 with aspartic acid.
Molecular consequence: missense variant.
Genome position (GRCh38, 1-based): chr2:47,804,960, A>C. VCF-style: chr2-47804960-A-C. GRCh37 (hg19) VCF-style: chr2-48032099-A-C.
Other names: c.3099A>C, p.Glu1033Asp (NM_001281492.2); c.2583A>C, p.Glu861Asp (NM_001281493.2, NM_001281494.2); short protein forms E1033D, E861D, E1163D.
Identifiers: ClinVar variation 864034 (VCV000864034.8), dbSNP rs531674673, ClinGen allele CA46717028.

ClinVar aggregate classification (germline): Uncertain significance (1 of 4 stars; one submission).

Conditions:
Hereditary nonpolyposis colorectal neoplasms. Identifiers: MedGen C0009405, MeSH D003123.

gnomAD v4.1: 5 of 1,614,158 alleles (0.00031%); highest among the groups gnomAD compares: African/African-American, 0.0027%; no homozygotes.

Submission:

Labcorp Genetics (formerly Invitae), Labcorp
Classification: Uncertain significance for Hereditary nonpolyposis colorectal neoplasms. Last evaluated: 2025-11-13. Review status: criteria provided, single submitter. Criteria: Invitae Variant Classification Sherloc (09022015). Collection method: clinical testing. Allele origin: germline.
Comment: This sequence change replaces glutamic acid, which is acidic and polar, with aspartic acid, which is acidic and polar, at codon 1163 of the MSH6 protein (p.Glu1163Asp). This variant is not present in population databases (gnomAD no frequency). This missense change has been observed in individual(s) with breast cancer (PMID: 35039564). ClinVar contains an entry for this variant (Variation ID: 864034). Invitae Evidence Modeling of protein sequence and biophysical properties (such as structural, functional, and spatial information, amino acid conservation, physicochemical variation, residue mobility, and thermodynamic stability) indicates that this missense variant is not expected to disrupt MSH6 protein function with a negative predictive value of 95%. In summary, the available evidence is currently insufficient to determine the role of this variant in disease. Therefore, it has been classified as a Variant of Uncertain Significance.

Literature cited by the submitters: PubMed 35039564.